The following is an entry in ClinVar:

ClinVar aggregate classification (germline): Uncertain significance (1 of 4 stars; one submission).

Conditions:
Glycine encephalopathy. Also called: Non-ketotic hyperglycinemia; Nonketotic hyperglycinemia. Identifiers: Orphanet 407, MedGen C0751748, MONDO:0011612, HP:0008288.

Submission:

Labcorp Genetics (formerly Invitae), Labcorp
Classification: Uncertain significance for Glycine encephalopathy. Last evaluated: 2018-04-23. Review status: criteria provided, single submitter. Criteria: Invitae Variant Classification Sherloc (09022015). Collection method: clinical testing. Allele origin: germline.
Comment: In summary, the available evidence is currently insufficient to determine the role of this variant in disease. Therefore, it has been classified as a Variant of Uncertain Significance. Algorithms developed to predict the effect of missense changes on protein structure and function do not agree on the potential impact of this missense change (SIFT: "Deleterious"; PolyPhen-2: "Benign"; Align-GVGD: "Class C0"). This variant has not been reported in the literature in individuals with GLDC-related disease. This variant is not present in population databases (ExAC no frequency). This sequence change replaces isoleucine with threonine at codon 440 of the GLDC protein (p.Ile440Thr). The isoleucine residue is moderately conserved and there is a moderate physicochemical difference between isoleucine and threonine.

NM_000170.3(GLDC):c.1319T>C (p.Ile440Thr)

Gene: GLDC (glycine decarboxylase; minus strand). Cytogenetic location: 9p24.1.
Variant type: single nucleotide variant.
Coding change: c.1319T>C on transcript NM_000170.3 (MANE Select); coding-DNA position 1319, T replaced by C.
Protein change: p.Ile440Thr; replaces isoleucine 440 with threonine.
Molecular consequence: missense variant.
Genome position (GRCh38, 1-based): chr9:6,592,933, A>G on the plus strand (T>C on the coding strand, the complement: GLDC is on the minus strand). VCF-style: chr9-6592933-A-G. GRCh37 (hg19) VCF-style: chr9-6592933-A-G.
Other names: short protein forms I440T.
Identifiers: ClinVar variation 571996 (VCV000571996.9), dbSNP rs386833523, ClinGen allele CA372894059.